The following is an entry in ClinVar:

NM_017671.5(FERMT1):c.151+49G>T

Gene: FERMT1 (FERM domain containing kindlin 1; minus strand). Cytogenetic location: 20p12.3.
Variant type: single nucleotide variant.
Coding change: c.151+49G>T on transcript NM_017671.5 (MANE Select); 49 bases into the intron after coding-DNA position 151, G replaced by T.
Molecular consequence: intron variant.
Genome position (GRCh38, 1-based): chr20:6,119,355, C>A on the plus strand (G>T on the coding strand, the complement: FERMT1 is on the minus strand). VCF-style: chr20-6119355-C-A. GRCh37 (hg19) VCF-style: chr20-6100002-C-A.
Identifiers: ClinVar variation 1178476 (VCV001178476.5), dbSNP rs6038363, ClinGen allele CA9758529.

ClinVar aggregate classification (germline): Benign. Review status: criteria provided, multiple submitters, no conflicts (2 of 4 stars). 3 submissions from 3 submitters: Benign (3). Last evaluated 2024-01-24.

Allele frequency attached by ClinVar (database versions not stated): TOPMed 0.99999; gnomAD 1.00000; gnomAD exomes 1.00000; 1000 Genomes Project 1.00000; 1000 Genomes Project 30x 1.00000; ExAC 1.00000.
gnomAD v4.1: 1,593,541 of 1,593,542 alleles (100%); highest among the groups gnomAD compares: Middle Eastern, 100%; 796,770 homozygotes.

Submissions (3):

Unidad de Genómica Garrahan, Hospital de Pediatría Garrahan
Classification: Benign. Last evaluated: 2024-01-24. Review status: criteria provided, single submitter. Criteria: ACMG Guidelines, 2015. Collection method: clinical testing. Allele origin: germline. Affected: no. Observed: 87 variant alleles.
Comment: This variant is classified as Benign based on local population frequency. This variant was detected in 99% of patients studied by a panel of primary immunodeficiencies. Number of patients: 87. Only high quality variants are reported.

GeneDx
Classification: Benign. Last evaluated: 2021-05-11. Review status: criteria provided, single submitter. Criteria: GeneDx Variant Classification Process June 2021. Collection method: clinical testing. Allele origin: germline. Affected: yes.

Breakthrough Genomics
Classification: Benign. Review status: criteria provided, single submitter. Criteria: ACMG Guidelines, 2015. Collection method: not provided. Allele origin: germline. Inheritance: Autosomal recessive inheritance. Affected: yes.